The following is an entry in ClinVar:

NM_053025.4(MYLK):c.401_413delinsG (p.Pro134_Lys138delinsArg)

Gene: MYLK (myosin light chain kinase; minus strand). Cytogenetic location: 3q21.1.
Variant type: Indel.
Coding change: c.401_413delinsG on transcript NM_053025.4 (MANE Select); coding-DNA positions 401 to 413, CTGTTGTTTCCAA replaced by G.
Protein change: p.Pro134_Lys138delinsArg.
Molecular consequence: inframe indel. On other transcripts: 5 prime UTR variant (1).
Genome position (GRCh38, 1-based): chr3:123,739,962-123,739,974, TTGGAAACAACAG replaced by C on the plus strand (CTGTTGTTTCCAA replaced by G on the coding strand, the reverse complement: MYLK is on the minus strand). VCF-style: chr3-123739962-TTGGAAACAACAG-C. GRCh37 (hg19) VCF-style: chr3-123458809-TTGGAAACAACAG-C.
Other names: c.-128_-116delinsG (NM_001321309.2); c.401_413delinsG, p.Pro134_Lys138delinsArg (NM_053026.4, NM_053027.4, NM_053028.4).
Identifiers: ClinVar variation 2662829 (VCV002662829.1), dbSNP rs2474634694, ClinGen allele CA2695199276.
Genomic context (GRCh38, chr3:123,739,962, plus strand): 5'-CAGCAGGAAAGCAATCCAACCCTTACTCTGTCTTGAACATCCAGGACTTACCCTAAGGTT[TTGGAAACAACAG>C]GCTGACCAAGCTGCTTCGCAAAACTTCCTGCAAGAAAAAGAGTTGATGAGTCAGGTCTGA-3'

ClinVar aggregate classification (germline): Uncertain significance (1 of 4 stars; one submission).

Submission:

GeneDx
Classification: Uncertain significance. Last evaluated: 2023-04-17. Review status: criteria provided, single submitter. Criteria: GeneDx Variant Classification Process June 2021. Collection method: clinical testing. Allele origin: germline. Affected: yes.
Comment: In-frame deletion of 5 amino acids and insertion of 1 amino acid in a non-repeat region; Not observed at significant frequency in large population cohorts (gnomAD); In silico analysis supports that this variant does not alter protein structure/function; Has not been previously published as pathogenic or benign to our knowledge